The following is an entry in ClinVar:

NM_022072.5(NSUN3):c.290C>T (p.Pro97Leu)

Gene: NSUN3 (NOP2/Sun RNA methyltransferase 3; plus strand). Cytogenetic location: 3q11.2.
Variant type: single nucleotide variant.
Coding change: c.290C>T on transcript NM_022072.5 (MANE Select); coding-DNA position 290, C replaced by T.
Protein change: p.Pro97Leu; replaces proline 97 with leucine.
Molecular consequence: missense variant.
Genome position (GRCh38, 1-based): chr3:94,084,274, C>T. VCF-style: chr3-94084274-C-T. GRCh37 (hg19) VCF-style: chr3-93803118-C-T.
Other names: c.290C>T (NM_022072.3); short protein forms P97L.
Identifiers: ClinVar variation 1900020 (VCV001900020.6), dbSNP rs768827223, ClinGen allele CA2504676.
Genomic context (GRCh38, chr3:94,084,274, plus strand): 5'-TCTCTCAGGGATCTTTACCCAACTATCCTAAATCAGTGAAGTGTTACCTTAGCAGAACTC[C>T]GGGCCGAATCCCTTCAGAAAGACACCAAATTGGAAACCTGAAAAAATATTATCTCCTAAA-3'
Protein context (NP_071355.1, residues 87-107): KSVKCYLSRT[Pro97Leu]GRIPSERHQI

ClinVar aggregate classification (germline): Uncertain significance. Review status: criteria provided, multiple submitters, no conflicts (2 of 4 stars). 2 submissions from 2 submitters: Uncertain significance (2). Last evaluated 2024-01-03.

Conditions:
Inborn genetic diseases. Identifiers: MedGen C0950123, MeSH D030342.

Allele frequency attached by ClinVar (database versions not stated): ExAC 0.00003; TOPMed 0.00003; gnomAD 0.00004; gnomAD exomes 0.00005.
gnomAD v4.1: 74 of 1,613,938 alleles (0.0046%); highest among the groups gnomAD compares: Non-Finnish European, 0.0058%; no homozygotes.

Submissions (2):

Ambry Genetics
Classification: Uncertain significance for Inborn genetic diseases. Last evaluated: 2024-01-03. Review status: criteria provided, single submitter. Criteria: Ambry Variant Classification Scheme 2023. Collection method: clinical testing. Allele origin: germline.

Labcorp Genetics (formerly Invitae), Labcorp
Classification: Uncertain significance. Last evaluated: 2022-10-25. Review status: criteria provided, single submitter. Criteria: Invitae Variant Classification Sherloc (09022015). Collection method: clinical testing. Allele origin: germline.
Comment: In summary, the available evidence is currently insufficient to determine the role of this variant in disease. Therefore, it has been classified as a Variant of Uncertain Significance. Algorithms developed to predict the effect of missense changes on protein structure and function are either unavailable or do not agree on the potential impact of this missense change (SIFT: "Tolerated"; PolyPhen-2: "Possibly Damaging"; Align-GVGD: "Class C0"). This variant has not been reported in the literature in individuals affected with NSUN3-related conditions. This variant is present in population databases (rs768827223, gnomAD 0.005%). This sequence change replaces proline, which is neutral and non-polar, with leucine, which is neutral and non-polar, at codon 97 of the NSUN3 protein (p.Pro97Leu).